The following is an entry in ClinVar:

ClinVar aggregate classification (germline): Uncertain significance (1 of 4 stars; one submission).

Conditions:
Inborn genetic diseases. Identifiers: MedGen C0950123, MeSH D030342.

Allele frequency attached by ClinVar (database versions not stated): gnomAD exomes below 0.00001.
gnomAD v4.1: 2 of 1,540,236 alleles (0.00013%); highest among the groups gnomAD compares: South Asian, 0.0012%; no homozygotes.

Submission:

Ambry Genetics
Classification: Uncertain significance for Inborn genetic diseases. Last evaluated: 2020-02-20. Review status: criteria provided, single submitter. Criteria: Ambry Variant Classification Scheme 2023. Collection method: clinical testing. Allele origin: germline.
Comment: The p.Q305L variant (also known as c.914A>T), located in coding exon 5 of the PRDM12 gene, results from an A to T substitution at nucleotide position 914. The glutamine at codon 305 is replaced by leucine, an amino acid with dissimilar properties. This amino acid position is well conserved in available vertebrate species. In addition, this alteration is predicted to be tolerated by in silico analysis. Since supporting evidence is limited at this time, the clinical significance of this alteration remains unclear.

NM_021619.3(PRDM12):c.914A>T (p.Gln305Leu)

Gene: PRDM12 (PR/SET domain 12; plus strand). Cytogenetic location: 9q34.12.
Variant type: single nucleotide variant.
Coding change: c.914A>T on transcript NM_021619.3 (MANE Select); coding-DNA position 914, A replaced by T.
Protein change: p.Gln305Leu; replaces glutamine 305 with leucine.
Molecular consequence: missense variant.
Genome position (GRCh38, 1-based): chr9:130,681,479, A>T. VCF-style: chr9-130681479-A-T. GRCh37 (hg19) VCF-style: chr9-133556866-A-T.
Other names: short protein forms Q305L.
Identifiers: ClinVar variation 1765957 (VCV001765957.2), dbSNP rs1381127811, ClinGen allele CA375244968.